The following is an entry in ClinVar:

ClinVar aggregate classification (germline): Uncertain significance (1 of 4 stars; one submission).

gnomAD v4.1: 3 of 1,593,424 alleles (0.00019%); highest among the groups gnomAD compares: Admixed American, 0.0017%; no homozygotes.

Submission:

Labcorp Genetics (formerly Invitae), Labcorp
Classification: Uncertain significance. Last evaluated: 2025-05-30. Review status: criteria provided, single submitter. Criteria: Invitae Variant Classification Sherloc (09022015). Collection method: clinical testing. Allele origin: germline.
Comment: This sequence change replaces arginine, which is basic and polar, with glutamine, which is neutral and polar, at codon 497 of the TAOK2 protein (p.Arg497Gln). This variant is present in population databases (rs754246307, gnomAD 0.004%). This variant has not been reported in the literature in individuals affected with TAOK2-related conditions. An algorithm developed to predict the effect of missense changes on protein structure and function (PolyPhen-2) suggests that this variant is likely to be disruptive. In summary, the available evidence is currently insufficient to determine the role of this variant in disease. Therefore, it has been classified as a Variant of Uncertain Significance.

NM_016151.4(TAOK2):c.1490G>A (p.Arg497Gln)

Gene: TAOK2 (TAO kinase 2; plus strand). Cytogenetic location: 16p11.2.
Variant type: single nucleotide variant.
Coding change: c.1490G>A on transcript NM_016151.4 (MANE Select); coding-DNA position 1490, G replaced by A.
Protein change: p.Arg497Gln; replaces arginine 497 with glutamine.
Molecular consequence: missense variant.
Genome position (GRCh38, 1-based): chr16:29,985,280, G>A. VCF-style: chr16-29985280-G-A. GRCh37 (hg19) VCF-style: chr16-29996601-G-A.
Other names: c.1490G>A, p.Arg497Gln (NM_001252043.2, NM_004783.4); short protein forms R497Q.
Identifiers: ClinVar variation 4697253 (VCV004697253.1).
Genomic context (GRCh38, chr16:29,985,280, plus strand): 5'-GTCAGATCCAGGAGCATGAGCAGGACTCTGCGCTGCGGGAGCAGCTGAGCGGCTATAAGC[G>A]GATGCGACGACAGCACCAGAAGCAGCTGCTGGCCCTGGAGTCACGGCTGAGGGGTGAACG-3'
Protein context (NP_057235.2, residues 487-507): ALREQLSGYK[Arg497Gln]MRRQHQKQLL